The following is an entry in ClinVar:

NM_024675.4(PALB2):c.326C>T (p.Pro109Leu)

Gene: PALB2 (partner and localizer of BRCA2; minus strand). Cytogenetic location: 16p12.2.
Variant type: single nucleotide variant.
Coding change: c.326C>T on transcript NM_024675.4 (MANE Select); coding-DNA position 326, C replaced by T.
Protein change: p.Pro109Leu; replaces proline 109 with leucine.
Molecular consequence: missense variant.
Genome position (GRCh38, 1-based): chr16:23,636,220, G>A on the plus strand (C>T on the coding strand, the complement: PALB2 is on the minus strand). VCF-style: chr16-23636220-G-A. GRCh37 (hg19) VCF-style: chr16-23647541-G-A.
Other names: c.326C>T, p.Pro109Leu (NM_001407297.1, NM_001407298.1, NM_001407299.1 and 3 more transcripts); c.266C>T, p.Pro89Leu (NM_001407296.1); c.-560C>T (NM_001407304.1, NM_001407305.1, NM_001407306.1 and 5 more transcripts); short protein forms P109L, P89L.
Identifiers: ClinVar variation 1729608 (VCV001729608.2), dbSNP rs2142445960, ClinGen allele CA395138748.

ClinVar aggregate classification (germline): Uncertain significance (1 of 4 stars; one submission).

Conditions:
Hereditary cancer-predisposing syndrome. Also called: Neoplastic Syndromes, Hereditary; Tumor predisposition; Hereditary Cancer Syndrome; Hereditary neoplastic syndrome. Identifiers: Orphanet 140162, MedGen C0027672, MeSH D009386, MONDO:0015356.

Submission:

Ambry Genetics
Classification: Uncertain significance for Hereditary cancer-predisposing syndrome. Last evaluated: 2021-10-07. Review status: criteria provided, single submitter. Criteria: Ambry Variant Classification Scheme 2023. Collection method: clinical testing. Allele origin: germline.
Comment: The p.P109L variant (also known as c.326C>T), located in coding exon 4 of the PALB2 gene, results from a C to T substitution at nucleotide position 326. The proline at codon 109 is replaced by leucine, an amino acid with similar properties. This amino acid position is conserved. In addition, this alteration is predicted to be tolerated by in silico analysis. Since supporting evidence is limited at this time, the clinical significance of this alteration remains unclear.